The following is an entry in ClinVar:

ClinVar aggregate classification (germline): Uncertain significance (1 of 4 stars; one submission).

Conditions:
Sitosterolemia (STSL). Also called: PHYTOSTEROLEMIA. Identifiers: Orphanet 2882, MedGen C0342907, MONDO:0008863.

gnomAD v4.1: 1 of 1,611,558 alleles (0.000062%); highest among the groups gnomAD compares: Non-Finnish European, 0.000085%; no homozygotes.

Submission:

Labcorp Genetics (formerly Invitae), Labcorp
Classification: Uncertain significance for Sitosterolemia. Last evaluated: 2020-12-23. Review status: criteria provided, single submitter. Criteria: Invitae Variant Classification Sherloc (09022015). Collection method: clinical testing. Allele origin: germline.
Comment: This variant has not been reported in the literature in individuals with ABCG5-related conditions. In summary, the available evidence is currently insufficient to determine the role of this variant in disease. Therefore, it has been classified as a Variant of Uncertain Significance. Algorithms developed to predict the effect of missense changes on protein structure and function (SIFT, PolyPhen-2, Align-GVGD) all suggest that this variant is likely to be tolerated, but these predictions have not been confirmed by published functional studies and their clinical significance is uncertain. This variant is not present in population databases (ExAC no frequency). This sequence change replaces alanine with serine at codon 28 of the ABCG5 protein (p.Ala28Ser). The alanine residue is weakly conserved and there is a moderate physicochemical difference between alanine and serine.

NM_022436.3(ABCG5):c.82G>T (p.Ala28Ser)

Gene: ABCG5 (ATP binding cassette subfamily G member 5; minus strand). Cytogenetic location: 2p21.
Variant type: single nucleotide variant.
Coding change: c.82G>T on transcript NM_022436.3 (MANE Select); coding-DNA position 82, G replaced by T.
Protein change: p.Ala28Ser; replaces alanine 28 with serine.
Molecular consequence: missense variant.
Genome position (GRCh38, 1-based): chr2:43,838,598, C>A on the plus strand (G>T on the coding strand, the complement: ABCG5 is on the minus strand). VCF-style: chr2-43838598-C-A. GRCh37 (hg19) VCF-style: chr2-44065737-C-A.
Other names: short protein forms A28S.
Identifiers: ClinVar variation 1503411 (VCV001503411.8), dbSNP rs980495592, ClinGen allele CA346661892.